The following is an entry in ClinVar:

NM_001379210.1(SLC25A26):c.569-119C>G

Gene: SLC25A26 (solute carrier family 25 member 26; plus strand). Cytogenetic location: 3p14.1.
Variant type: single nucleotide variant.
Coding change: c.569-119C>G on transcript NM_001379210.1 (MANE Select); 119 bases into the intron before coding-DNA position 569, C replaced by G.
Molecular consequence: intron variant.
Genome position (GRCh38, 1-based): chr3:66,369,359, C>G. VCF-style: chr3-66369359-C-G. GRCh37 (hg19) VCF-style: chr3-66419783-C-G.
Other names: c.569-119C>G (NM_173471.4); c.305-119C>G (NM_001350993.1, NM_001164796.1).
Identifiers: ClinVar variation 673778 (VCV000673778.1), dbSNP rs74745091, ClinGen allele CA11524775.

ClinVar aggregate classification (germline): Likely benign (1 of 4 stars; one submission).

Allele frequency attached by ClinVar (database versions not stated): gnomAD 0.01267 and 0.01373; 1000 Genomes Project 0.01318; TOPMed 0.01414; 1000 Genomes Project 30x 0.01452.
gnomAD v4.1: 2,836 of 790,918 alleles (0.36%); highest among the groups gnomAD compares: African/African-American, 4.3%; 63 homozygotes.

Submission:

GeneDx
Classification: Likely benign. Last evaluated: 2018-06-16. Review status: criteria provided, single submitter. Criteria: GeneDx Variant Classification (06012015). Collection method: clinical testing. Allele origin: germline. Affected: yes.
Comment: This variant is considered likely benign or benign based on one or more of the following criteria: it is a conservative change, it occurs at a poorly conserved position in the protein, it is predicted to be benign by multiple in silico algorithms, and/or has population frequency not consistent with disease.